The following is an entry in ClinVar:

ClinVar aggregate classification (germline): Likely benign. Review status: criteria provided, single submitter (1 of 4 stars). 2 submissions from 2 submitters: Likely benign (1). 1 of the submissions does not count toward it. Last evaluated 2024-10-18.

Conditions:
NF1-related disorder. Also called: NF1-related condition. Identifiers: MedGen CN379171.

Allele frequency attached by ClinVar (database versions not stated): 1000 Genomes Project 0.00040; 1000 Genomes Project 30x 0.00062; gnomAD 0.00105; TOPMed 0.00115.
gnomAD v4.1: 161 of 152,160 alleles (0.11%); highest among the groups gnomAD compares: African/African-American, 0.35%; no homozygotes.

Submissions (2):

Blueprint Genetics
Classification: Likely benign. Last evaluated: 2024-10-18. Review status: criteria provided, single submitter. Criteria: ACMG Guidelines, 2015. Collection method: clinical testing. Allele origin: germline.

PreventionGenetics, part of Exact Sciences
Classification: Likely benign for NF1-related condition. Last evaluated: 2021-09-09. Review status: no assertion criteria provided. Collection method: clinical testing. Allele origin: germline. Not counted in ClinVar's aggregate classification.
Comment: This variant is classified as likely benign based on ACMG/AMP sequence variant interpretation guidelines (Richards et al. 2015 PMID: 25741868, with internal and published modifications).

NM_001042492.3(NF1):c.1393-579C>T

Gene: NF1 (neurofibromin 1; plus strand). Cytogenetic location: 17q11.2.
Variant type: single nucleotide variant.
Coding change: c.1393-579C>T on transcript NM_001042492.3 (MANE Select); 579 bases into the intron before coding-DNA position 1393, C replaced by T.
Molecular consequence: intron variant.
Genome position (GRCh38, 1-based): chr17:31,213,872, C>T. VCF-style: chr17-31213872-C-T. GRCh37 (hg19) VCF-style: chr17-29540890-C-T.
Other names: c.1393-579C>T (NM_000267.4, NM_001128147.3).
Identifiers: ClinVar variation 3044780 (VCV003044780.3), dbSNP rs527622092, ClinGen allele CA289356506.
Genomic context (GRCh38, chr17:31,213,872, plus strand): 5'-TGGAGTGCCGTCGAAGGAAAAAGCAAATTTTACAATTAAACTAGTAAATACAAAGATTGC[C>T]TACATGTTTCATTAATTCTAAGAAGCACTTATTTTTACTCTTCTCTAAAATTGGGAATGT-3'